The following is an entry in ClinVar:

NM_004656.4(BAP1):c.2014G>A (p.Asp672Asn)

Gene: BAP1 (BRCA1 associated deubiquitinase 1; minus strand). Cytogenetic location: 3p21.1.
Variant type: single nucleotide variant.
Coding change: c.2014G>A on transcript NM_004656.4 (MANE Select); coding-DNA position 2014, G replaced by A.
Protein change: p.Asp672Asn; replaces aspartic acid 672 with asparagine.
Molecular consequence: missense variant.
Genome position (GRCh38, 1-based): chr3:52,402,644, C>T on the plus strand (G>A on the coding strand, the complement: BAP1 is on the minus strand). VCF-style: chr3-52402644-C-T. GRCh37 (hg19) VCF-style: chr3-52436660-C-T.
Other names: short protein forms D672N.
Identifiers: ClinVar variation 857522 (VCV000857522.16), dbSNP rs144881611, ClinGen allele CA2436620.

ClinVar aggregate classification (germline): Conflicting classifications of pathogenicity. Review status: criteria provided, conflicting classifications (1 of 4 stars). 6 submissions from 6 submitters: Uncertain significance (4); Benign (1); Likely benign (1). Last evaluated 2025-12-09.

Conditions:
Hereditary cancer-predisposing syndrome. Also called: Tumor predisposition; Hereditary neoplastic syndrome; Neoplastic Syndromes, Hereditary; Hereditary Cancer Syndrome. Identifiers: Orphanet 140162, MedGen C0027672, MeSH D009386, MONDO:0015356.
BAP1-related tumor predisposition syndrome (TPDS1). Also called: COMMON Syndrome; Tumor susceptibility linked to germline BAP1 mutations; TUMOR PREDISPOSITION SYNDROME 1; BAP1 tumor predisposition syndrome. Identifiers: Orphanet 289539, MedGen C3280492, MONDO:0013692, OMIM 614327.

Allele frequency attached by ClinVar (database versions not stated): gnomAD exomes below 0.00001 and 0.00001; ExAC 0.00001; gnomAD 0.00001; TOPMed 0.00001; ESP Exome Variant Server 0.00008.
gnomAD v4.1: 7 of 1,614,084 alleles (0.00043%); highest among the groups gnomAD compares: South Asian, 0.0011%; no homozygotes.

Submissions (6):

Labcorp Genetics (formerly Invitae), Labcorp
Classification: Uncertain significance for BAP1-related tumor predisposition syndrome. Last evaluated: 2025-12-09. Review status: criteria provided, single submitter. Criteria: Invitae Variant Classification Sherloc (09022015). Collection method: clinical testing. Allele origin: germline.
Comment: This sequence change replaces aspartic acid, which is acidic and polar, with asparagine, which is neutral and polar, at codon 672 of the BAP1 protein (p.Asp672Asn). This variant is present in population databases (rs144881611, gnomAD 0.002%). This variant has not been reported in the literature in individuals affected with BAP1-related conditions. ClinVar contains an entry for this variant (Variation ID: 857522). Invitae Evidence Modeling of protein sequence and biophysical properties (such as structural, functional, and spatial information, amino acid conservation, physicochemical variation, residue mobility, and thermodynamic stability) has been performed for this missense variant. However, the output from this modeling did not meet the statistical confidence thresholds required to predict the impact of this variant on BAP1 protein function. In summary, the available evidence is currently insufficient to determine the role of this variant in disease. Therefore, it has been classified as a Variant of Uncertain Significance.

Ambry Genetics
Classification: Benign for Hereditary cancer-predisposing syndrome. Last evaluated: 2025-11-21. Review status: criteria provided, single submitter. Criteria: Ambry Variant Classification Scheme 2023. Collection method: clinical testing. Allele origin: germline.

Myriad Genetics, Inc.
Classification: Likely benign for BAP1-related tumor predisposition syndrome. Last evaluated: 2024-07-17. Review status: criteria provided, single submitter. Criteria: Myriad Autosomal Dominant, Autosomal Recessive and X-Linked Classification Criteria (2023). Collection method: clinical testing. Allele origin: unknown.
Comment: This variant is considered likely benign. This variant has been observed at a population frequency that is significantly greater than expected given the associated disease prevalence and penetrance.

Baylor Genetics
Classification: Uncertain significance for BAP1-related tumor predisposition syndrome. Last evaluated: 2024-01-11. Review status: criteria provided, single submitter. Criteria: ACMG Guidelines, 2015. Collection method: clinical testing. Allele origin: unknown.

GeneDx
Classification: Uncertain significance. Last evaluated: 2023-05-24. Review status: criteria provided, single submitter. Criteria: GeneDx Variant Classification Process June 2021. Collection method: clinical testing. Allele origin: germline. Affected: yes.
Comment: Not observed at significant frequency in large population cohorts (gnomAD); In silico analysis supports that this missense variant has a deleterious effect on protein structure/function; Has not been previously published as pathogenic or benign to our knowledge; This variant is associated with the following publications: (PMID: 30567904, 26934580, 31768066, 36865140, 31925297)

Color Diagnostics, LLC DBA Color Health
Classification: Uncertain significance for Hereditary cancer-predisposing syndrome. Last evaluated: 2020-03-16. Review status: criteria provided, single submitter. Criteria: ACMG Guidelines, 2015. Collection method: clinical testing. Allele origin: germline.
Comment: This missense variant replaces aspartic acid with asparagine at codon 672 of the BAP1 protein. Computational prediction suggests that this variant may not impact protein structure and function (internally defined REVEL score threshold <= 0.5, PMID: 27666373). To our knowledge, functional studies have not been reported for this variant. This variant has not been reported in individuals affected with hereditary cancer in the literature. This variant has been identified in 2/251466 chromosomes in the general population by the Genome Aggregation Database (gnomAD). The available evidence is insufficient to determine the role of this variant in disease conclusively. Therefore, this variant is classified as a Variant of Uncertain Significance.

Literature cited by the submitters: PubMed 38969833 (cited by Ambry Genetics).